The following is an entry in ClinVar:

NM_004836.7(EIF2AK3):c.245C>G (p.Ala82Gly)

Gene: EIF2AK3 (eukaryotic translation initiation factor 2 alpha kinase 3; minus strand). Cytogenetic location: 2p11.2.
Variant type: single nucleotide variant.
Coding change: c.245C>G on transcript NM_004836.7 (MANE Select); coding-DNA position 245, C replaced by G.
Protein change: p.Ala82Gly; replaces alanine 82 with glycine.
Molecular consequence: missense variant.
Genome position (GRCh38, 1-based): chr2:88,627,030, G>C on the plus strand (C>G on the coding strand, the complement: EIF2AK3 is on the minus strand). VCF-style: chr2-88627030-G-C. GRCh37 (hg19) VCF-style: chr2-88926548-G-C.
Other names: c.245C>G (NM_004836.5); short protein forms A82G.
Identifiers: ClinVar variation 2000131 (VCV002000131.2), dbSNP rs1478508112, ClinGen allele CA347763197.

ClinVar aggregate classification (germline): Uncertain significance. Review status: criteria provided, multiple submitters, no conflicts (2 of 4 stars). 2 submissions from 2 submitters: Uncertain significance (2). Last evaluated 2022-07-15.

Conditions:
Inborn genetic diseases. Identifiers: MedGen C0950123, MeSH D030342.

Allele frequency attached by ClinVar (database versions not stated): gnomAD exomes below 0.00001; TOPMed below 0.00001; gnomAD 0.00001.
gnomAD v4.1: 3 of 1,603,360 alleles (0.00019%); highest among the groups gnomAD compares: Non-Finnish European, 0.00025%; no homozygotes.

Submissions (2):

Labcorp Genetics (formerly Invitae), Labcorp
Classification: Uncertain significance. Last evaluated: 2022-07-15. Review status: criteria provided, single submitter. Criteria: Invitae Variant Classification Sherloc (09022015). Collection method: clinical testing. Allele origin: germline.
Comment: This sequence change replaces alanine, which is neutral and non-polar, with glycine, which is neutral and non-polar, at codon 82 of the EIF2AK3 protein (p.Ala82Gly). This variant is not present in population databases (gnomAD no frequency). This variant has not been reported in the literature in individuals affected with EIF2AK3-related conditions. Algorithms developed to predict the effect of missense changes on protein structure and function (SIFT, PolyPhen-2, Align-GVGD) all suggest that this variant is likely to be tolerated. In summary, the available evidence is currently insufficient to determine the role of this variant in disease. Therefore, it has been classified as a Variant of Uncertain Significance.

Ambry Genetics
Classification: Uncertain significance for Inborn genetic diseases. Last evaluated: 2022-01-18. Review status: criteria provided, single submitter. Criteria: Ambry Variant Classification Scheme 2023. Collection method: clinical testing. Allele origin: germline.